The following is an entry in ClinVar:

ClinVar aggregate classification (germline): Likely pathogenic (1 of 4 stars; one submission).

Conditions:
Pontocerebellar hypoplasia type 1B. Also called: EXOSC3 Pontocerebellar Hypoplasia. Identifiers: Orphanet 2254, MedGen C3553449, MONDO:0013853, OMIM 614678.

Submission:

Labcorp Genetics (formerly Invitae), Labcorp
Classification: Likely pathogenic for Pontocerebellar hypoplasia type 1B. Last evaluated: 2023-03-07. Review status: criteria provided, single submitter. Criteria: Invitae Variant Classification Sherloc (09022015). Collection method: clinical testing. Allele origin: germline.
Comment: This variant is not present in population databases (gnomAD no frequency). This sequence change affects an acceptor splice site in intron 1 of the EXOSC3 gene. It is expected to disrupt RNA splicing. Variants that disrupt the donor or acceptor splice site typically lead to a loss of protein function (PMID: 16199547), and loss-of-function variants in EXOSC3 are known to be pathogenic (PMID: 22544365, 23284067, 24524299). This variant has not been reported in the literature in individuals affected with EXOSC3-related conditions. In summary, the currently available evidence indicates that the variant is pathogenic, but additional data are needed to prove that conclusively. Therefore, this variant has been classified as Likely Pathogenic. Algorithms developed to predict the effect of sequence changes on RNA splicing suggest that this variant may disrupt the consensus splice site.

Literature cited by the submitters: PubMed 16199547; PubMed 22544365; PubMed 23284067; PubMed 24524299.

NM_016042.4(EXOSC3):c.325-1G>T

Gene: EXOSC3 (exosome component 3; minus strand). Cytogenetic location: 9p13.2.
Variant type: single nucleotide variant.
Coding change: c.325-1G>T on transcript NM_016042.4 (MANE Select); the canonical splice acceptor site of the intron before coding-DNA position 325, G replaced by T.
Molecular consequence: splice acceptor variant.
Genome position (GRCh38, 1-based): chr9:37,784,064, C>A on the plus strand (G>T on the coding strand, the complement: EXOSC3 is on the minus strand). VCF-style: chr9-37784064-C-A. GRCh37 (hg19) VCF-style: chr9-37784061-C-A.
Other names: c.325-1G>T (NM_001002269.2).
Identifiers: ClinVar variation 2843410 (VCV002843410.3), dbSNP rs2489888636, ClinGen allele CA373475593.